The following is an entry in ClinVar:

NM_001206927.2(DNAH8):c.668T>C (p.Ile223Thr)

Gene: DNAH8 (dynein axonemal heavy chain 8; plus strand). Cytogenetic location: 6p21.2.
Variant type: single nucleotide variant.
Coding change: c.668T>C on transcript NM_001206927.2 (MANE Select); coding-DNA position 668, T replaced by C.
Protein change: p.Ile223Thr; replaces isoleucine 223 with threonine.
Molecular consequence: missense variant.
Genome position (GRCh38, 1-based): chr6:38,734,531, T>C. VCF-style: chr6-38734531-T-C. GRCh37 (hg19) VCF-style: chr6-38702307-T-C.
Other names: c.17T>C, p.Ile6Thr (NM_001371.4); short protein forms I223T, I6T.
Identifiers: ClinVar variation 525222 (VCV000525222.1), dbSNP rs1554195443, ClinGen allele CA363985948.

ClinVar aggregate classification (germline): Uncertain significance (1 of 4 stars; one submission).

Conditions:
Primary ciliary dyskinesia. Also called: Ciliary dyskinesia. Identifiers: Orphanet 244, MedGen C0008780, MONDO:0016575, HP:0012265.

Allele frequency attached by ClinVar (database versions not stated): gnomAD exomes below 0.00001.
gnomAD v4.1: 4 of 1,613,974 alleles (0.00025%); highest among the groups gnomAD compares: Middle Eastern, 0.033%; no homozygotes.

Submission:

Labcorp Genetics (formerly Invitae), Labcorp
Classification: Uncertain significance for Primary ciliary dyskinesia. Last evaluated: 2017-11-08. Review status: criteria provided, single submitter. Criteria: Invitae Variant Classification Sherloc (09022015). Collection method: clinical testing. Allele origin: germline.
Comment: This sequence change replaces isoleucine with threonine at codon 223 of the DNAH8 protein (p.Ile223Thr). The isoleucine residue is weakly conserved and there is a moderate physicochemical difference between isoleucine and threonine. This variant is not present in population databases (ExAC no frequency). This variant has not been reported in the literature in individuals with DNAH8-related disease. Algorithms developed to predict the effect of missense changes on protein structure and function do not agree on the potential impact of this missense change (SIFT: "Deleterious"; PolyPhen-2: "Benign"; Align-GVGD: "Class C0"). Algorithms developed to predict the effect of sequence changes on RNA splicing suggest that this variant may create or strengthen a splice site, but this prediction has not been confirmed by published transcriptional studies. In summary, the available evidence is currently insufficient to determine the role of this variant in disease. Therefore, it has been classified as a Variant of Uncertain Significance.